The following is an entry in ClinVar:

ClinVar aggregate classification (germline): Conflicting classifications of pathogenicity. Review status: criteria provided, conflicting classifications (1 of 4 stars). 7 submissions from 7 submitters: Uncertain significance (1); Likely benign (5). 1 of the submissions does not count toward it. Last evaluated 2026-04-01.

Conditions:
Intellectual disability. Also called: Intellectual developmental disorder; intellectual disabilities; Intellectual functioning disability. Identifiers: MedGen C3714756, MeSH D008607, MONDO:0001071, HP:0001249.
FAT4-related disorder. Also called: FAT4-related condition.
Hennekam lymphangiectasia-lymphedema syndrome 2 (HKLLS2). Identifiers: Orphanet 2136, MedGen C4014939, MONDO:0014454, OMIM 616006.
Van Maldergem syndrome 2 (VMLDS2). Identifiers: Orphanet 314679, MedGen C3809875, MONDO:0014242, OMIM 615546.
Inborn genetic diseases. Identifiers: MedGen C0950123, MeSH D030342.

Allele frequency attached by ClinVar (database versions not stated): gnomAD exomes 0.00030 and 0.00041; ExAC 0.00038; gnomAD 0.00058 and 0.00061; TOPMed 0.00097; ESP Exome Variant Server 0.00108; 1000 Genomes Project 30x 0.00125; 1000 Genomes Project 0.00140.
gnomAD v4.1: 554 of 1,614,254 alleles (0.034%); highest among the groups gnomAD compares: African/African-American, 0.16%; no homozygotes.

Submissions (7):

CeGaT Center for Human Genetics Tuebingen
Classification: Likely benign. Last evaluated: 2026-04-01. Review status: criteria provided, single submitter. Criteria: CeGaT Center For Human Genetics Tuebingen Variant Classification Criteria Version 2. Collection method: clinical testing. Allele origin: germline. Affected: yes. Observed: 1 variant allele.
Comment: FAT4: BP4

Labcorp Genetics (formerly Invitae), Labcorp
Classification: Likely benign. Last evaluated: 2026-01-21. Review status: criteria provided, single submitter. Criteria: Invitae Variant Classification Sherloc (09022015). Collection method: clinical testing. Allele origin: germline.

Blueprint Genetics
Classification: Likely benign. Last evaluated: 2024-08-28. Review status: criteria provided, single submitter. Criteria: ACMG Guidelines, 2015. Collection method: clinical testing. Allele origin: germline.

Ambry Genetics
Classification: Likely benign for Inborn genetic diseases. Last evaluated: 2022-05-18. Review status: criteria provided, single submitter. Criteria: Ambry Variant Classification Scheme 2023. Collection method: clinical testing. Allele origin: germline.

Cambridge Genomics Laboratory, East Genomic Laboratory Hub, NHS Genomic Medicine Service
Classification: Likely benign for Intellectual disability. Last evaluated: 2019-09-11. Review status: criteria provided, single submitter. Criteria: ACGS Best Practice Guidelines for Variant Classification in Rare Disease 2020. Collection method: clinical testing. Allele origin: germline. Affected: yes. Observed: 1 variant allele.

Molecular Genetics Lab, CHRU Brest
Classification: Uncertain significance for Hennekam lymphangiectasia-lymphedema syndrome 2; Van Maldergem syndrome 2. Review status: criteria provided, single submitter. Criteria: ACMG Guidelines, 2015. Collection method: clinical testing. Allele origin: inherited. Affected: yes.

PreventionGenetics, part of Exact Sciences
Classification: Likely benign for FAT4-related condition. Last evaluated: 2022-04-25. Review status: no assertion criteria provided. Collection method: clinical testing. Allele origin: germline. Not counted in ClinVar's aggregate classification.
Comment: This variant is classified as likely benign based on ACMG/AMP sequence variant interpretation guidelines (Richards et al. 2015 PMID: 25741868, with internal and published modifications).

NM_001291303.3(FAT4):c.11260A>G (p.Ser3754Gly)

Gene: FAT4 (FAT atypical cadherin 4; plus strand). Cytogenetic location: 4q28.1.
Variant type: single nucleotide variant.
Coding change: c.11260A>G on transcript NM_001291303.3 (MANE Select); coding-DNA position 11260, A replaced by G.
Protein change: p.Ser3754Gly; replaces serine 3754 with glycine.
Molecular consequence: missense variant.
Genome position (GRCh38, 1-based): chr4:125,452,270, A>G. VCF-style: chr4-125452270-A-G. GRCh37 (hg19) VCF-style: chr4-126373425-A-G.
Other names: c.11260A>G, p.Ser3754Gly (NM_001291285.3); c.11254A>G, p.Ser3752Gly (NM_024582.6); c.11254A>G (NM_024582.4); short protein forms S3752G, S3754G.
Identifiers: ClinVar variation 1012078 (VCV001012078.14), dbSNP rs79909102, ClinGen allele CA3073818.